The following is an entry in ClinVar:

NM_000037.4(ANK1):c.2T>C (p.Met1Thr)

Gene: ANK1 (ankyrin 1; minus strand). Cytogenetic location: 8p11.21.
Variant type: single nucleotide variant.
Coding change: c.2T>C on transcript NM_000037.4 (MANE Select); coding-DNA position 2, T replaced by C.
Protein change: p.Met1Thr; changes the start codon (methionine 1).
Molecular consequence: missense variant, initiator codon variant. On other transcripts: intron variant (1).
Genome position (GRCh38, 1-based): chr8:41,797,537, A>G on the plus strand (T>C on the coding strand, the complement: ANK1 is on the minus strand). VCF-style: chr8-41797537-A-G. GRCh37 (hg19) VCF-style: chr8-41655055-A-G.
Other names: c.2T>C (NM_000037.3); c.2T>C, p.Met1Thr (NM_020475.3, NM_020476.3, NM_020477.3); c.127-39400T>C (NM_001142446.2); short protein forms M1T.
Identifiers: ClinVar variation 4077956 (VCV004077956.2).

ClinVar aggregate classification (germline): Conflicting classifications of pathogenicity. Review status: criteria provided, conflicting classifications (1 of 4 stars). 2 submissions from 2 submitters: Pathogenic (1); Uncertain significance (1). Last evaluated 2025-10-01.

Conditions:
Inborn genetic diseases. Identifiers: MedGen C0950123, MeSH D030342.
Hereditary spherocytosis type 1. Also called: Spherocytosis type 1; ANK1-Related Spherocytosis. Identifiers: Orphanet 822, MedGen C2674218, MONDO:0008447, OMIM 182900.

Submissions (2):

Ambry Genetics
Classification: Pathogenic for Inborn genetic diseases. Last evaluated: 2025-10-01. Review status: criteria provided, single submitter. Criteria: Ambry Variant Classification Scheme 2023. Collection method: clinical testing. Allele origin: germline.
Comment: The c.2T>C (p.M1?) alteration is located in coding exon 1 of the ANK1 gene and results from a T to C substitution at nucleotide position 1. This alters the methionine residue at the initiation codon (ATG). Sequence variations that modify the initiation codon are expected to result in either loss of translation initiation, N-terminal truncation, or cause a shift in the mRNA reading frame. This variant was not reported in population-based cohorts in the Genome Aggregation Database (gnomAD). This amino acid position is highly conserved in available vertebrate species with limited sequence alignment. Based on the available evidence, this alteration is classified as pathogenic.

Revvity Omics, Revvity
Classification: Uncertain significance for Hereditary spherocytosis type 1. Last evaluated: 2023-10-26. Review status: criteria provided, single submitter. Criteria: ACMG Guidelines, 2015. Collection method: clinical testing. Allele origin: germline.